The following is an entry in ClinVar:

ClinVar aggregate classification (germline): Pathogenic/Likely pathogenic. Review status: criteria provided, multiple submitters, no conflicts (2 of 4 stars). 7 submissions from 7 submitters: Pathogenic (5); Likely pathogenic (1). 1 of the submissions does not count toward it. Last evaluated 2025-10-03.

Conditions:
SLC3A1-related disorder. Also called: SLC3A1-related condition.
Cystinuria (CSNU). Also called: CYSTINURIA, TYPE I; CYSTINURIA, TYPE II; CYSTINURIA, TYPE III; Cystinuria, non-type I. Identifiers: Orphanet 214, MedGen C0010691, MONDO:0009067, OMIM 220100, HP:0003131.

Allele frequency attached by ClinVar (database versions not stated): TOPMed 0.00006; ExAC 0.00008; gnomAD 0.00012.
gnomAD v4.1: 246 of 1,310,770 alleles (0.019%); highest among the groups gnomAD compares: Non-Finnish European, 0.024%; no homozygotes.

Submissions (7):

Rare Kidney Stone Consortium and the Mayo Clinic Hyperoxaluria Center, Mayo Clinic
Classification: Pathogenic for Cystinuria. Last evaluated: 2025-10-03. Review status: criteria provided, single submitter. Criteria: ACMG Guidelines, 2015. Collection method: research. Allele origin: germline. Affected: yes. Observed: 1 variant allele.

PreventionGenetics, part of Exact Sciences
Classification: Pathogenic for SLC3A1-related condition. Last evaluated: 2025-07-30. Review status: criteria provided, single submitter. Criteria: ACMG Guidelines, 2015. Collection method: clinical testing. Allele origin: germline.
Comment: The SLC3A1 c.1136+2T>C variant is predicted to disrupt the GT donor site and interfere with normal splicing. This variant has been reported in the homozygous and compound heterozygous state in several individuals with cystinuria (Harnevik et al. 2001. PubMed ID: 11748844; Supp. Table 1, Zhao et al. 2022. PubMed ID: 35149915; Liu et al. 2023. PubMed ID: 37306718). This variant is reported in 0.017% of alleles in individuals of European (non-Finnish) descent in gnomAD. Variants that disrupt the consensus splice donor site in SLC3A1 are expected to be pathogenic. This variant is interpreted as pathogenic.

Labcorp Genetics (formerly Invitae), Labcorp
Classification: Pathogenic for Cystinuria. Last evaluated: 2025-05-12. Review status: criteria provided, single submitter. Criteria: Invitae Variant Classification Sherloc (09022015). Collection method: clinical testing. Allele origin: germline.
Comment: This sequence change affects a donor splice site in intron 6 of the SLC3A1 gene. It is expected to disrupt RNA splicing. Variants that disrupt the donor or acceptor splice site typically lead to a loss of protein function (PMID: 16199547), and loss-of-function variants in SLC3A1 are known to be pathogenic (PMID: 24610330, 25109415, 25964309). This variant is present in population databases (rs766198611, gnomAD 0.02%). Disruption of this splice site has been observed in individuals with cystinuria (PMID: 11748844). ClinVar contains an entry for this variant (Variation ID: 2057421). Algorithms developed to predict the effect of sequence changes on RNA splicing suggest that this variant may disrupt the consensus splice site. For these reasons, this variant has been classified as Pathogenic.

GeneDx
Classification: Pathogenic. Last evaluated: 2025-01-21. Review status: criteria provided, single submitter. Criteria: GeneDx Variant Classification Process June 2021. Collection method: clinical testing. Allele origin: germline. Affected: yes.
Comment: Canonical splice site variant predicted to result in a null allele in a gene for which loss of function is a known mechanism of disease; This variant is associated with the following publications: (PMID: 23532419, 37306718, 36571637, 31028937, 34805638, 35149915, 11748844)

Blueprint Genetics
Classification: Pathogenic for SLC3A1-related disorders. Last evaluated: 2024-10-30. Review status: criteria provided, single submitter. Criteria: ACMG Guidelines, 2015. Collection method: clinical testing. Allele origin: germline. Affected: yes. Observed: 5 variant alleles.

Fulgent Genetics
Classification: Likely pathogenic for Cystinuria. Last evaluated: 2024-04-07. Review status: criteria provided, single submitter. Criteria: ACMG Guidelines, 2015. Collection method: clinical testing. Allele origin: germline.

Chinese Inherited Urolithiasis Consortium, The Affiliated Yantai Yuhuangding Hospital of Qingdao University
Classification: Pathogenic for Cystinuria. Last evaluated: 2024-08-26. Review status: no assertion criteria provided. Collection method: clinical testing. Allele origin: biparental, paternal. Affected: yes. Observed: 2 variant alleles. Not counted in ClinVar's aggregate classification.

Literature cited by the submitters: PubMed 40794449 (cited by Rare Kidney Stone Consortium and the Mayo Clinic Hyperoxaluria Center, Mayo Clinic); PubMed 16199547 (cited by Labcorp Genetics (formerly Invitae), Labcorp); PubMed 24610330 (cited by Labcorp Genetics (formerly Invitae), Labcorp); PubMed 25109415 (cited by Labcorp Genetics (formerly Invitae), Labcorp); PubMed 25964309 (cited by Labcorp Genetics (formerly Invitae), Labcorp); PubMed 11748844 (cited by Labcorp Genetics (formerly Invitae), Labcorp).

NM_000341.4(SLC3A1):c.1136+2T>C

Gene: SLC3A1 (solute carrier family 3 member 1; plus strand). Cytogenetic location: 2p21.
Variant type: single nucleotide variant.
Coding change: c.1136+2T>C on transcript NM_000341.4 (MANE Select); the canonical splice donor site of the intron after coding-DNA position 1136, T replaced by C.
Molecular consequence: splice donor variant.
Genome position (GRCh38, 1-based): chr2:44,301,129, T>C. VCF-style: chr2-44301129-T-C. GRCh37 (hg19) VCF-style: chr2-44528268-T-C.
Identifiers: ClinVar variation 2057421 (VCV002057421.13), dbSNP rs766198611, ClinGen allele CA1640427.